The following is an entry in ClinVar:

ClinVar aggregate classification (germline): Uncertain significance. Review status: criteria provided, multiple submitters, no conflicts (2 of 4 stars). 2 submissions from 2 submitters: Uncertain significance (2). Last evaluated 2020-06-16.

Conditions:
Neurofibromatosis, type 1 (NF1). Also called: NEUROFIBROMATOSIS, TYPE I, SOMATIC; VON RECKLINGHAUSEN DISEASE; Peripheral type neurofibromatosis; Neurofibromatosis, type I. Identifiers: Orphanet 636, MedGen C0027831, MONDO:0018975, OMIM 162200. Disease mechanism: loss of function.

Allele frequency attached by ClinVar (database versions not stated): gnomAD exomes below 0.00001.
gnomAD v4.1: 2 of 1,613,724 alleles (0.00012%); no homozygotes.

Submissions (2):

Blueprint Genetics
Classification: Uncertain significance. Last evaluated: 2020-06-16. Review status: criteria provided, single submitter. Criteria: ACMG Guidelines, 2015. Collection method: clinical testing. Allele origin: germline.

Labcorp Genetics (formerly Invitae), Labcorp
Classification: Uncertain significance for Neurofibromatosis, type 1. Last evaluated: 2019-07-30. Review status: criteria provided, single submitter. Criteria: Invitae Variant Classification Sherloc (09022015). Collection method: clinical testing. Allele origin: germline.
Comment: This sequence change replaces glutamine with arginine at codon 756 of the NF1 protein (p.Gln756Arg). The glutamine residue is moderately conserved and there is a small physicochemical difference between glutamine and arginine. This variant is not present in population databases (ExAC no frequency). This variant has not been reported in the literature in individuals with NF1-related conditions. Algorithms developed to predict the effect of missense changes on protein structure and function are either unavailable or do not agree on the potential impact of this missense change (SIFT: "Tolerated"; PolyPhen-2: "Probably Damaging"; Align-GVGD: "Class C0"). In summary, the available evidence is currently insufficient to determine the role of this variant in disease. Therefore, it has been classified as a Variant of Uncertain Significance.

NM_001042492.3(NF1):c.2267A>G (p.Gln756Arg)

Gene: NF1 (neurofibromin 1; plus strand). Cytogenetic location: 17q11.2.
Variant type: single nucleotide variant.
Coding change: c.2267A>G on transcript NM_001042492.3 (MANE Select); coding-DNA position 2267, A replaced by G.
Protein change: p.Gln756Arg; replaces glutamine 756 with arginine.
Molecular consequence: missense variant.
Genome position (GRCh38, 1-based): chr17:31,227,233, A>G. VCF-style: chr17-31227233-A-G. GRCh37 (hg19) VCF-style: chr17-29554251-A-G.
Other names: c.2267A>G, p.Gln756Arg (NM_000267.4); short protein forms Q756R.
Identifiers: ClinVar variation 955675 (VCV000955675.7), dbSNP rs1222770265, ClinGen allele CA398982716.
Genomic context (GRCh38, chr17:31,227,233, plus strand): 5'-AGGGCTCTAAGTGCAGTAACTTGATTTGCTGTTGTATTTGCTTAGGAAGAGCAGCACTTC[A>G]GAAAAGAGTGATGGCACTGCTGAGGCGCATTGAGCATCCCACTGCAGGAAACACTGAGGT-3'
Protein context (NP_001035957.1, residues 746-766): NMMSTGRAAL[Gln756Arg]KRVMALLRRI